The following is an entry in ClinVar:

NM_033131.4(WNT3A):c.355G>A (p.Gly119Ser)

Gene: WNT3A (Wnt family member 3A; plus strand). Cytogenetic location: 1q42.13.
Variant type: single nucleotide variant.
Coding change: c.355G>A on transcript NM_033131.4 (MANE Select); coding-DNA position 355, G replaced by A.
Protein change: p.Gly119Ser; replaces glycine 119 with serine.
Molecular consequence: missense variant.
Genome position (GRCh38, 1-based): chr1:228,050,697, G>A. VCF-style: chr1-228050697-G-A. GRCh37 (hg19) VCF-style: chr1-228238398-G-A.
Other names: short protein forms G119S.
Identifiers: ClinVar variation 2170118 (VCV002170118.4), dbSNP rs774995569, ClinGen allele CA1429443.

ClinVar aggregate classification (germline): Uncertain significance (1 of 4 stars; one submission).

Allele frequency attached by ClinVar (database versions not stated): gnomAD 0.00001; TOPMed 0.00001; ExAC 0.00002.
gnomAD v4.1: 16 of 1,613,026 alleles (0.00099%); highest among the groups gnomAD compares: East Asian, 0.0067%; no homozygotes.

Submission:

Labcorp Genetics (formerly Invitae), Labcorp
Classification: Uncertain significance. Last evaluated: 2024-11-05. Review status: criteria provided, single submitter. Criteria: Invitae Variant Classification Sherloc (09022015). Collection method: clinical testing. Allele origin: germline.
Comment: This sequence change replaces glycine, which is neutral and non-polar, with serine, which is neutral and polar, at codon 119 of the WNT3A protein (p.Gly119Ser). This variant is present in population databases (rs774995569, gnomAD 0.006%). This variant has not been reported in the literature in individuals affected with WNT3A-related conditions. ClinVar contains an entry for this variant (Variation ID: 2170118). Invitae Evidence Modeling of protein sequence and biophysical properties (such as structural, functional, and spatial information, amino acid conservation, physicochemical variation, residue mobility, and thermodynamic stability) indicates that this missense variant is not expected to disrupt WNT3A protein function with a negative predictive value of 80%. In summary, the available evidence is currently insufficient to determine the role of this variant in disease. Therefore, it has been classified as a Variant of Uncertain Significance.